The following is an entry in ClinVar:

ClinVar aggregate classification (germline): Uncertain significance (1 of 4 stars; one submission).

Conditions:
RYR1-related disorder. Also called: RYR1-related condition; RYR1-related disorders. Identifiers: MedGen CN239331.

Submission:

Labcorp Genetics (formerly Invitae), Labcorp
Classification: Uncertain significance for RYR1-related disorder. Last evaluated: 2025-04-25. Review status: criteria provided, single submitter. Criteria: Invitae Variant Classification Sherloc (09022015). Collection method: clinical testing. Allele origin: germline.
Comment: This sequence change replaces lysine, which is basic and polar, with asparagine, which is neutral and polar, at codon 929 of the RYR1 protein (p.Lys929Asn). This variant is not present in population databases (gnomAD no frequency). This variant has not been reported in the literature in individuals affected with RYR1-related conditions. ClinVar contains an entry for this variant (Variation ID: 2889631). An algorithm developed to predict the effect of missense changes on protein structure and function (PolyPhen-2) suggests that this variant is likely to be disruptive. In summary, the available evidence is currently insufficient to determine the role of this variant in disease. Therefore, it has been classified as a Variant of Uncertain Significance.

NM_000540.3(RYR1):c.2787G>C (p.Lys929Asn)

Gene: RYR1 (ryanodine receptor 1; plus strand). Cytogenetic location: 19q13.2.
Variant type: single nucleotide variant.
Coding change: c.2787G>C on transcript NM_000540.3 (MANE Select); coding-DNA position 2787, G replaced by C.
Protein change: p.Lys929Asn; replaces lysine 929 with asparagine.
Molecular consequence: missense variant.
Genome position (GRCh38, 1-based): chr19:38,464,639, G>C. VCF-style: chr19-38464639-G-C. GRCh37 (hg19) VCF-style: chr19-38955279-G-C.
Other names: c.2787G>C, p.Lys929Asn (NM_001042723.2); short protein forms K929N.
Identifiers: ClinVar variation 2889631 (VCV002889631.3), dbSNP rs2514083575, ClinGen allele CA405633178.